The following is an entry in ClinVar:

NM_052813.5(CARD9):c.661G>A (p.Glu221Lys)

Gene: CARD9 (caspase recruitment domain family member 9; minus strand). Cytogenetic location: 9q34.3.
Variant type: single nucleotide variant.
Coding change: c.661G>A on transcript NM_052813.5 (MANE Select); coding-DNA position 661, G replaced by A.
Protein change: p.Glu221Lys; replaces glutamic acid 221 with lysine.
Molecular consequence: missense variant.
Genome position (GRCh38, 1-based): chr9:136,370,668, C>T on the plus strand (G>A on the coding strand, the complement: CARD9 is on the minus strand). VCF-style: chr9-136370668-C-T. GRCh37 (hg19) VCF-style: chr9-139265120-C-T.
Other names: c.661G>A, p.Glu221Lys (NM_052814.4); short protein forms E221K.
Identifiers: ClinVar variation 914355 (VCV000914355.12), dbSNP rs200735402, ClinGen allele CA5333013.

ClinVar aggregate classification (germline): Benign/Likely benign. Review status: criteria provided, multiple submitters, no conflicts (2 of 4 stars). 2 submissions from 2 submitters: Benign (1); Likely benign (1). Last evaluated 2025-11-23.

Conditions:
Predisposition to invasive fungal disease due to CARD9 deficiency (IMD103). Also called: CARD9 IMMUNODEFICIENCY; IMMUNODEFICIENCY 103, SUSCEPTIBILITY TO FUNGAL INFECTIONS; Candidiasis, familial, 2, autosomal recessive. Identifiers: Orphanet 457088, MedGen C1859353, MONDO:0008905, OMIM 212050.

Allele frequency attached by ClinVar (database versions not stated): gnomAD 0.00006 and 0.00010; TOPMed 0.00006; ESP Exome Variant Server 0.00008; gnomAD exomes 0.00016 and 0.00024; ExAC 0.00025; 1000 Genomes Project 30x 0.00109; 1000 Genomes Project 0.00120.
gnomAD v4.1: 250 of 1,612,764 alleles (0.016%); highest among the groups gnomAD compares: East Asian, 0.49%; no homozygotes.

Submissions (2):

Labcorp Genetics (formerly Invitae), Labcorp
Classification: Likely benign for Predisposition to invasive fungal disease due to CARD9 deficiency. Last evaluated: 2025-11-23. Review status: criteria provided, single submitter. Criteria: Invitae Variant Classification Sherloc (09022015). Collection method: clinical testing. Allele origin: germline.

Illumina Laboratory Services, Illumina
Classification: Benign for Predisposition to invasive fungal disease due to CARD9 deficiency. Last evaluated: 2017-04-28. Review status: criteria provided, single submitter. Criteria: ICSL Variant Classification Criteria 13 December 2019. Collection method: clinical testing. Allele origin: germline.
Comment: This variant was observed as part of a predisposition screen in an ostensibly healthy population. A literature search was performed for the gene, cDNA change, and amino acid change (where applicable). Publications were found based on this search. The evidence from the literature, in combination with allele frequency data from public databases where available, was sufficient to rule this variant out of causing disease. Therefore, this variant is classified as benign.

Literature cited by the submitters: PubMed 27490946 (cited by Illumina Laboratory Services, Illumina); PubMed 28252032 (cited by Illumina Laboratory Services, Illumina); PubMed 22730530 (cited by Illumina Laboratory Services, Illumina); PubMed 25731871 (cited by Illumina Laboratory Services, Illumina).